The following is an entry in ClinVar:

NM_001077365.2(POMT1):c.721C>G (p.Leu241Val)

Gene: POMT1 (protein O-mannosyltransferase 1; plus strand). Cytogenetic location: 9q34.13.
Variant type: single nucleotide variant.
Coding change: c.721C>G on transcript NM_001077365.2 (MANE Select); coding-DNA position 721, C replaced by G.
Protein change: p.Leu241Val; replaces leucine 241 with valine.
Molecular consequence: missense variant. On other transcripts: non-coding transcript variant (10).
Genome position (GRCh38, 1-based): chr9:131,510,281, C>G. VCF-style: chr9-131510281-C-G. GRCh37 (hg19) VCF-style: chr9-134385668-C-G.
Other names: c.559C>G, p.Leu187Val (NM_001077366.2, NM_001353194.2, NM_001374693.1); c.721C>G, p.Leu241Val (NM_001136113.2, NM_001374690.1); c.370C>G, p.Leu124Val (NM_001136114.2, NM_001353195.2, NM_001374691.1 and 1 more transcripts); c.787C>G, p.Leu263Val (NM_001353193.2, NM_007171.4); c.631C>G, p.Leu211Val (NM_001353196.2); c.625C>G, p.Leu209Val (NM_001353197.2, NM_001353198.2); c.436C>G, p.Leu146Val (NM_001353199.2); c.265C>G, p.Leu89Val (NM_001353200.2); and 2 more; short protein forms L241V, L263V, L111V, L124V, L146V, L187V, L211V, L89V.
Identifiers: ClinVar variation 970512 (VCV000970512.7), dbSNP rs374335795, ClinGen allele CA5293425.
Genomic context (GRCh38, chr9:131,510,281, plus strand): 5'-CACGCAGTGGAACATGACTTTTCTTTGAATCTCTGGCAGGTCTGTGTGTTCTGTCACTTG[C>G]TCGCCCGAGCAGTGGCTTTGCTGGTCATCCCGGTCGTCCTGTACTTACTGTTCTTCTACG-3'
Protein context (NP_001070833.1, residues 231-251): LSNVCVFCHL[Leu241Val]ARAVALLVIP

ClinVar aggregate classification (germline): Uncertain significance (1 of 4 stars; one submission).

Conditions:
Autosomal recessive limb-girdle muscular dystrophy type 2K. Also called: MUSCULAR DYSTROPHY-DYSTROGLYCANOPATHY (LIMB-GIRDLE), TYPE C, 1; MUSCULAR DYSTROPHY, LIMB-GIRDLE, TYPE 2K. Identifiers: Orphanet 86812, MedGen C1836373, MONDO:0012248, OMIM 609308.
Walker-Warburg congenital muscular dystrophy. Also called: Muscular dystrophy-dystroglycanopathy, type A; Walker-Warburg syndrome. Identifiers: Orphanet 899, MedGen C0265221, MONDO:0000171.
Muscular dystrophy-dystroglycanopathy (congenital with impaired intellectual development), type B, 1. Also called: Muscular dystrophy-dystroglycanopathy (congenital with intellectual disability), type B1; MUSCULAR DYSTROPHY, CONGENITAL, POMT1-RELATED. Identifiers: MedGen C5436962, MONDO:0013159, OMIM 613155.

Allele frequency attached by ClinVar (database versions not stated): ExAC 0.00002; gnomAD 0.00001; gnomAD exomes 0.00002 and below 0.00001; ESP Exome Variant Server 0.00008; TOPMed below 0.00001.
gnomAD v4.1: 8 of 1,614,120 alleles (0.0005%); highest among the groups gnomAD compares: Admixed American, 0.005%; no homozygotes.

Submission:

Labcorp Genetics (formerly Invitae), Labcorp
Classification: Uncertain significance for Muscular dystrophy-dystroglycanopathy (congenital with impaired intellectual development), type B, 1; Walker-Warburg congenital muscular dystrophy; Autosomal recessive limb-girdle muscular dystrophy type 2K. Last evaluated: 2022-02-03. Review status: criteria provided, single submitter. Criteria: Invitae Variant Classification Sherloc (09022015). Collection method: clinical testing. Allele origin: germline.
Comment: This sequence change replaces leucine, which is neutral and non-polar, with valine, which is neutral and non-polar, at codon 263 of the POMT1 protein (p.Leu263Val). This variant is present in population databases (rs374335795, gnomAD 0.01%). This variant has not been reported in the literature in individuals affected with POMT1-related conditions. ClinVar contains an entry for this variant (Variation ID: 970512). Algorithms developed to predict the effect of missense changes on protein structure and function output the following: SIFT: "Tolerated"; PolyPhen-2: "Benign"; Align-GVGD: "Class C0". The valine amino acid residue is found in multiple mammalian species, which suggests that this missense change does not adversely affect protein function. In summary, the available evidence is currently insufficient to determine the role of this variant in disease. Therefore, it has been classified as a Variant of Uncertain Significance.